The following is an entry in ClinVar:

NM_174936.4(PCSK9):c.989C>T (p.Ala330Val)

Gene: PCSK9 (proprotein convertase subtilisin/kexin type 9; plus strand). Cytogenetic location: 1p32.3.
Variant type: single nucleotide variant.
Coding change: c.989C>T on transcript NM_174936.4 (MANE Select); coding-DNA position 989, C replaced by T.
Protein change: p.Ala330Val; replaces alanine 330 with valine.
Molecular consequence: missense variant.
Genome position (GRCh38, 1-based): chr1:55,056,182, C>T. VCF-style: chr1-55056182-C-T. GRCh37 (hg19) VCF-style: chr1-55521855-C-T.
Other names: c.1112C>T, p.Ala371Val (NM_001407240.1); c.989C>T, p.Ala330Val (NM_001407241.1, NM_001407244.1, NM_001407247.1); c.992C>T, p.Ala331Val (NM_001407242.1); c.932C>T, p.Ala311Val (NM_001407243.1); c.797C>T, p.Ala266Val (NM_001407245.1); c.614C>T, p.Ala205Val (NM_001407246.1); short protein forms A330V, A311V, A205V, A266V, A331V, A371V.
Identifiers: ClinVar variation 924788 (VCV000924788.8), dbSNP rs868240958, ClinGen allele CA340475280.

ClinVar aggregate classification (germline): Uncertain significance. Review status: criteria provided, multiple submitters, no conflicts (2 of 4 stars). 2 submissions from 2 submitters: Uncertain significance (2). Last evaluated 2023-12-05.

Conditions:
Cardiovascular phenotype. Identifiers: MedGen CN230736.
Familial hypercholesterolemia. Also called: Familial hypercholesterolaemia. Identifiers: MedGen C0020445, MONDO:0005439.

Allele frequency attached by ClinVar (database versions not stated): gnomAD exomes below 0.00001.
gnomAD v4.1: 2 of 1,471,824 alleles (0.00014%); highest among the groups gnomAD compares: South Asian, 0.0014%; no homozygotes.

Submissions (2):

Color Diagnostics, LLC DBA Color Health
Classification: Uncertain significance for Familial hypercholesterolemia. Last evaluated: 2023-12-05. Review status: criteria provided, single submitter. Criteria: ACMG Guidelines, 2015. Collection method: clinical testing. Allele origin: germline.
Comment: Variant of Uncertain Significance due to insufficient evidence: This missense variant replaces alanine with valine at codon 330 of the PCSK9 protein. Computational prediction tools and conservation analyses are inconclusive regarding the impact of this variant on the protein function. Computational splicing tools suggest that this variant may not impact RNA splicing. To our knowledge, functional assays have not been performed for this variant nor has this variant been reported in individuals affected with familial hypercholesterolemia in the literature. This variant is rare in the general population and has been identified in 0/277264 chromosomes by the Genome Aggregation Database (gnomAD). Available evidence is insufficient to determine the role of this variant in disease conclusively.

Ambry Genetics
Classification: Uncertain significance for Cardiovascular phenotype. Last evaluated: 2021-03-31. Review status: criteria provided, single submitter. Criteria: Ambry Variant Classification Scheme 2023. Collection method: clinical testing. Allele origin: germline.
Comment: The p.A330V variant (also known as c.989C>T), located in coding exon 6 of the PCSK9 gene, results from a C to T substitution at nucleotide position 989. The alanine at codon 330 is replaced by valine, an amino acid with similar properties. This amino acid position is not well conserved in available vertebrate species. In addition, this alteration is predicted to be tolerated by in silico analysis. Since supporting evidence is limited at this time, the clinical significance of this alteration remains unclear.